The following is an entry in ClinVar:

NM_015087.5(SPART):c.1000C>A (p.Arg334=)

Gene: SPART (spartin; minus strand). Cytogenetic location: 13q13.3.
Variant type: single nucleotide variant.
Coding change: c.1000C>A on transcript NM_015087.5 (MANE Select); coding-DNA position 1000, C replaced by A.
Protein change: p.Arg334=; no amino-acid change (arginine 334 retained).
Molecular consequence: synonymous variant.
Genome position (GRCh38, 1-based): chr13:36,331,407, G>T on the plus strand (C>A on the coding strand, the complement: SPART is on the minus strand). VCF-style: chr13-36331407-G-T. GRCh37 (hg19) VCF-style: chr13-36905544-G-T.
Other names: c.1000C>A, p.Arg334= (NM_001142294.2, NM_001142295.2, NM_001142296.2).
Identifiers: ClinVar variation 4823106 (VCV004823106.4).

ClinVar aggregate classification (germline): Likely benign (1 of 4 stars; one submission).

Submission:

CeGaT Center for Human Genetics Tuebingen
Classification: Likely benign. Last evaluated: 2026-01-01. Review status: criteria provided, single submitter. Criteria: CeGaT Center For Human Genetics Tuebingen Variant Classification Criteria Version 2. Collection method: clinical testing. Allele origin: germline. Affected: yes. Observed: 1 variant allele.
Comment: SPART: PM2:Supporting, BP4, BP7